The following is an entry in ClinVar:

ClinVar aggregate classification (germline): Uncertain significance (1 of 4 stars; one submission).

Allele frequency attached by ClinVar (database versions not stated): gnomAD exomes below 0.00001.
gnomAD v4.1: 1 of 1,613,648 alleles (0.000062%); highest among the groups gnomAD compares: Non-Finnish European, 0.000085%; no homozygotes.

Submission:

Labcorp Genetics (formerly Invitae), Labcorp
Classification: Uncertain significance. Last evaluated: 2023-01-17. Review status: criteria provided, single submitter. Criteria: Invitae Variant Classification Sherloc (09022015). Collection method: clinical testing. Allele origin: germline.
Comment: In summary, the available evidence is currently insufficient to determine the role of this variant in disease. Therefore, it has been classified as a Variant of Uncertain Significance. Algorithms developed to predict the effect of missense changes on protein structure and function are either unavailable or do not agree on the potential impact of this missense change (SIFT: "Deleterious"; PolyPhen-2: "Benign"; Align-GVGD: "Class C35"). This variant has not been reported in the literature in individuals affected with LTBP2-related conditions. This variant is not present in population databases (gnomAD no frequency). This sequence change replaces proline, which is neutral and non-polar, with leucine, which is neutral and non-polar, at codon 1128 of the LTBP2 protein (p.Pro1128Leu).

NM_000428.3(LTBP2):c.3383C>T (p.Pro1128Leu)

Gene: LTBP2 (latent transforming growth factor beta binding protein 2; minus strand). Cytogenetic location: 14q24.3.
Variant type: single nucleotide variant.
Coding change: c.3383C>T on transcript NM_000428.3 (MANE Select); coding-DNA position 3383, C replaced by T.
Protein change: p.Pro1128Leu; replaces proline 1128 with leucine.
Molecular consequence: missense variant.
Genome position (GRCh38, 1-based): chr14:74,509,258, G>A on the plus strand (C>T on the coding strand, the complement: LTBP2 is on the minus strand). VCF-style: chr14-74509258-G-A. GRCh37 (hg19) VCF-style: chr14-74975961-G-A.
Other names: short protein forms P1128L.
Identifiers: ClinVar variation 1994873 (VCV001994873.2), dbSNP rs2506137172, ClinGen allele CA390389150.